The following is an entry in ClinVar:

ClinVar aggregate classification (germline): Pathogenic/Likely pathogenic. Review status: criteria provided, multiple submitters, no conflicts (2 of 4 stars). 3 submissions from 3 submitters: Pathogenic (1); Likely pathogenic (2). Last evaluated 2024-05-22.

Conditions:
Autosomal recessive cerebellar ataxia-saccadic intrusion syndrome. Also called: SPINOCEREBELLAR ATAXIA 24; VPS13D Movement Disorder. Identifiers: Orphanet 95434, MedGen C1846492, MONDO:0011811, OMIM 607317.

Allele frequency attached by ClinVar (database versions not stated): TOPMed 0.00001; gnomAD 0.00002; gnomAD exomes 0.00003; ESP Exome Variant Server 0.00008.
gnomAD v4.1: 44 of 1,612,894 alleles (0.0027%); highest among the groups gnomAD compares: Non-Finnish European, 0.0034%; no homozygotes.

Submissions (3):

GeneDx
Classification: Pathogenic. Last evaluated: 2024-05-22. Review status: criteria provided, single submitter. Criteria: GeneDx Variant Classification Process June 2021. Collection method: clinical testing. Allele origin: germline. Affected: yes.
Comment: RNA studies demonstrate leaky splicing resulting in an out of-frame transcript with skipping of exon 9 (PMID: 36768210); In silico analysis supports a deleterious effect on splicing; Not observed at significant frequency in large population cohorts (gnomAD); This variant is associated with the following publications: (PMID: 36768210, 29604224, 34906502)

Labcorp Genetics (formerly Invitae), Labcorp
Classification: Likely pathogenic. Last evaluated: 2024-02-20. Review status: criteria provided, single submitter. Criteria: Invitae Variant Classification Sherloc (09022015). Collection method: clinical testing. Allele origin: germline.
Comment: This sequence change falls in intron 9 of the VPS13D gene. It does not directly change the encoded amino acid sequence of the VPS13D protein. It affects a nucleotide within the consensus splice site. This variant is not present in population databases (gnomAD no frequency). This variant has been observed in individual(s) with clinical features of spinocerebellar ataxia (PMID: 29604224, 36768210). In at least one individual the data is consistent with being in trans (on the opposite chromosome) from a pathogenic variant. ClinVar contains an entry for this variant (Variation ID: 1064611). Studies have shown that this variant does not significantly alter or has an unclear effect on VPS13D gene expression (PMID: 36768210). Variants that disrupt the consensus splice site are a relatively common cause of aberrant splicing (PMID: 17576681, 9536098). Algorithms developed to predict the effect of sequence changes on RNA splicing suggest that this variant may disrupt the consensus splice site. In summary, the currently available evidence indicates that the variant is pathogenic, but additional data are needed to prove that conclusively. Therefore, this variant has been classified as Likely Pathogenic.

Kids Neuroscience Centre, Sydney Children's Hospitals Network
Classification: Likely pathogenic for Autosomal recessive cerebellar ataxia-saccadic intrusion syndrome. Review status: criteria provided, single submitter. Criteria: Bournazos AM et al. (Genet Med 2021). Collection method: clinical testing. Allele origin: maternal, paternal, unknown. Inheritance: Autosomal recessive inheritance. Affected: yes and no. Observed: 1 heterozygote, 2 compound heterozygotes.
Comment: The c.941+3A>G variant results in two detected abnormal splicing events: (1) Exon-9 skipping (p.Gln282Profs*11), (2)Intron-9 retention (p.Asn314Lysfs*2). All abnormal splicing events induced by the c.941+3A>G variant create a frameshift and premature termination codon. The abnormally spliced VPS13D transcripts are predicted to be targeted for nonsense -mediated decay. Any VPS13D transcripts escaping nonsense-mediated decay encode VPS13D proteins that are severely truncated N-terminal peptides (usually 4388 amino acids) and likely to be dysfunctional/non-functional/unstable.

Literature cited by the submitters: PubMed 29604224 (cited by Labcorp Genetics (formerly Invitae), Labcorp); PubMed 36768210 (cited by Labcorp Genetics (formerly Invitae), Labcorp); PubMed 17576681 (cited by Labcorp Genetics (formerly Invitae), Labcorp); PubMed 9536098 (cited by Labcorp Genetics (formerly Invitae), Labcorp).

NM_015378.4(VPS13D):c.941+3A>G

Gene: VPS13D (vacuolar protein sorting 13 homolog D; plus strand). Cytogenetic location: 1p36.22.
Variant type: single nucleotide variant.
Coding change: c.941+3A>G on transcript NM_015378.4 (MANE Select); 3 bases into the intron after coding-DNA position 941, A replaced by G.
Molecular consequence: intron variant.
Genome position (GRCh38, 1-based): chr1:12,257,090, A>G. VCF-style: chr1-12257090-A-G. GRCh37 (hg19) VCF-style: chr1-12317147-A-G.
Other names: c.941+3A>G (NM_018156.4).
Identifiers: ClinVar variation 1064611 (VCV001064611.6), dbSNP rs372431023, ClinGen allele CA18026063.